The following is an entry in ClinVar:

ClinVar aggregate classification (germline): no classifications from unflagged records (0 of 4 stars; one submission).

Submission:

Lupski Lab, Baylor-Hopkins CMG, Baylor College of Medicine
Classification: Uncertain significance. Review status: flagged submission. Collection method: research. Allele origin: unknown. Inheritance: X-linked inheritance. Observed: 1 variant allele.
Comment: No clinical information was provided on this sample, hence we are unable to comment on the clinical significance
ClinVar note: Notes: This submission was flagged because its interpretation of this variant conflicts with the ClinGen Gene Dosage Map curation for the gene PLP1.
ClinVar note: Reason: Conflict with ClinGen Gene Dosage Map

GRCh37/hg19 Xq22.1-22.2(chrX:102543473-103398234)x0

Genes: TMEM31 (transmembrane protein 31; plus strand), BEX2 (brain expressed X-linked 2; minus strand), BEX3 (brain expressed X-linked 3; plus strand), H2BW1 (H2B.W histone 1; minus strand), H2BW2 (H2B.W histone 2; plus strand) and 12 more. Cytogenetic location: Xq22.1-22.2.
Variant type: copy number loss.
Change: copy number 0 of chrX:102,543,473-103,398,234 (854.8 kb, GRCh37 coordinates, 1-based), cytogenetic band Xq22.1-22.2.
Identifiers: ClinVar variation 691853 (VCV000691853.2).